The following is an entry in ClinVar:

NM_000257.4(MYH7):c.1208G>A (p.Arg403Gln)

Gene: MYH7 (myosin heavy chain 7; minus strand). Cytogenetic location: 14q11.2.
Variant type: single nucleotide variant.
Coding change: c.1208G>A on transcript NM_000257.4 (MANE Select); coding-DNA position 1208, G replaced by A.
Protein change: p.Arg403Gln; replaces arginine 403 with glutamine.
Molecular consequence: missense variant.
Genome position (GRCh38, 1-based): chr14:23,429,278, C>T on the plus strand (G>A on the coding strand, the complement: MYH7 is on the minus strand). VCF-style: chr14-23429278-C-T. GRCh37 (hg19) VCF-style: chr14-23898487-C-T.
Other names: p.R403Q:CGG>CAG; NM_000257.3(MYH7):c.1208G>A; short protein forms R403Q.
Identifiers: ClinVar variation 14087 (VCV000014087.64), dbSNP rs121913624, ClinGen allele CA010365.

ClinVar aggregate classification (germline): Pathogenic. Review status: reviewed by expert panel (3 of 4 stars). 25 submissions from 25 submitters: Pathogenic (1). 24 of the submissions do not count toward it. Last evaluated 2016-12-15.

Conditions:
MYH7-related disorder. Also called: MYH7-related disorders; MYH7-related condition; MYH7-related disease.
Cardiovascular phenotype. Identifiers: MedGen CN230736.
Myosin storage myopathy (CMYO7A). Also called: SCAPULOPERONEAL MUSCULAR DYSTROPHY; SCAPULOPERONEAL SYNDROME, MYOPATHIC TYPE; MYOPATHY, HYALINE BODY, AUTOSOMAL DOMINANT; Scapuloperoneal myopathy, MYH7-related; MYOPATHY WITH LYSIS OF TYPE I MYOFIBRILS; MYH7-related late-onset scapuloperoneal muscular dystrophy. Identifiers: Orphanet 437572, Orphanet 636965, MedGen C1842160, MONDO:0008409, OMIM 608358.
Myopathy, myosin storage, autosomal recessive (CMYO7B). Also called: CONGENITAL MYOPATHY 7B, MYOSIN STORAGE, AUTOSOMAL RECESSIVE. Identifiers: Orphanet 636970, MedGen C1850709, MONDO:0009708, OMIM 255160.
Hypertrophic cardiomyopathy 1 (CMH1). Also called: Familial hypertrophic cardiomyopathy 1; MYH7-Related Familial Hypertrophic Cardiomyopathy. Identifiers: MedGen C3495498, MONDO:0008647, OMIM 192600.
MYH7-related skeletal myopathy. Also called: Myopathy, distal, 1; MYOPATHY, DISTAL, EARLY-ONSET, AUTOSOMAL DOMINANT; MYOPATHY, LATE DISTAL HEREDITARY; Laing distal myopathy; Laing early-onset distal myopathy. Identifiers: Orphanet 59135, MedGen C4552004, MONDO:0008050, OMIM 160500.
Dilated cardiomyopathy 1S (CMD1S). Identifiers: Orphanet 154, Orphanet 54260, MedGen C1834481, MONDO:0013262, OMIM 613426.
Congenital myopathy with fiber type disproportion. Also called: Congenital fiber-type disproportion myopathy; Congenital fiber-type disproportion. Identifiers: Orphanet 2020, MedGen C0546264, MONDO:0009711. Inheritance: all.
Cardiomyopathy (CMYO). Also called: Cardiomyopathies. Identifiers: Orphanet 167848, MedGen C0878544, MONDO:0004994, HP:0001638. Inheritance: Various modes of inheritance.
Primary familial hypertrophic cardiomyopathy (HCM). Identifiers: Orphanet 99739, MedGen C0949658, MeSH D024741, MONDO:0024573. Inheritance: Various modes of inheritance.
Hypertrophic cardiomyopathy. Also called: HYPERTROPHIC MYOCARDIOPATHY. Identifiers: Orphanet 217569, MedGen C0007194, MeSH D002312, MONDO:0005045, HP:0001639.

Allele frequency attached by ClinVar (database versions not stated): gnomAD exomes below 0.00001.

Submissions 1 to 5 of 25:

ClinGen Cardiomyopathy Variant Curation Expert Panel
Classification: Pathogenic for Hypertrophic cardiomyopathy. Last evaluated: 2016-12-15. Review status: reviewed by expert panel. Criteria: ClinGen CMP ACMG Specifications v1. Collection method: curation. Allele origin: germline. Inheritance: Autosomal dominant inheritance.
Comment: The c.1208G>A (p.Arg403Gln) variant in MYH7 has been reported in >30 individuals with hypertrophic cardiomyopathy and segregated with disease in >30 affected family members (PS4 and PP1_Strong; PMID:1638703; PMID:1975517; PMID:7789380; PMID:12975413; PMID:24268868; PMID:10725281; PMID:20800588; PMID:12707239; PMID:27532257; AGCMC Sydney ClinVar SCV000692503.1; Invitae ClinVar SCV000253815.4; Partners LMM ClinVar SCV000059359.5; SHaRe consortium, PMID: 30297972). Mouse model indicates that this variant disrupts the function of MYH7 and leads to a phenotype consistent with HCM (PS3: PMID:8614836). This variant was absent from large population studies (PM2). This variant lies in the head region of the protein (aa 181-937) and missense variants in this region are statistically more likely to be disease-associated (PM1; PMID:27532257). Computational prediction tools and conservation analysis suggest that this variant may impact the protein (PP3). A different pathogenic missense variant has been previously identified at this codon which may indicate that this residue is critical to the function of the protein (PM5; c.1207C>T (p.Arg403Trp) - Variation ID 14102). In summary, this variant meets criteria to be classified as pathogenic for hypertrophic cardiomyopathy in an autosomal dominant manner. MYH7-specific ACMG/AMP criteria applied (PMID:29300372): PS3; PS4; PP1_ Strong; PM1; PM2; PM5; PP3

Clinical Genomics Laboratory, Washington University in St. Louis
Classification: Pathogenic for Hypertrophic cardiomyopathy 1. Last evaluated: 2026-03-07. Review status: criteria provided, single submitter. Criteria: ACMG Guidelines, 2015. Collection method: clinical testing. Allele origin: germline. Affected: yes. Not counted in ClinVar's aggregate classification.
Comment: An MYH7 c.1208G>A (p.Arg403Gln) variant was identified in a heterozygous state. This variant has been reported in >30 individuals in the literature with hypertrophic cardiomyopathy (HCM) and is reported to segregate with disease in >30 affected family members (Atiga W et al., PMID:10725281; Richard P et al., PMID:12707239; Woo A et al., PMID:12975413; Epstein N et al., PMID: 1638703; Geisterfer-Lowrance A et al., PMID:1975517; Millat G et al., PMID:20800588; Delgado A et al., PMID:24268868; Walsh R et al., PMID:27532257; Kelly M et al., PMID:29300372; Marian A et al., PMID:7789380). It has also been reported in the ClinVar database as germline pathogenic variant by multiple submitters, including an expert panel (ClinVar ID: 14087). This variant is absent from the general population (gnomAD v2.1.1), indicating it is not a common variant. The MYH7 c.1208G>A (p.Arg403Gln) variant resides within a mutational hotspot between amino acids 181-937, that involves the motor domain, lever arm, and part of the rod in HCM cases (Walsh R et al., PMID:27532257). Computational predictors indicate that the variant is damaging, evidence that correlates with impact to MYH7 function. In support of this prediction, functional studies indicate that this variant disrupts the function of MYH7 and leads to a phenotype consistent with HCM (Geisterfer-Lowrance A et al., PMID:8614836). Another variant in the same codon, c.1207C>T (p.Arg403Trp) has been reported in multiple individuals with HCM and is considered pathogenic (ClinVar ID: 14102). Based on available information and the ACMG/AMP guidelines for variant interpretation (Richards S et al., PMID: 25741868) and ClinGen Cardiomyopathy Variant Curation Expert Panel recommendations, this variant is classified as pathogenic.

Labcorp Genetics (formerly Invitae), Labcorp
Classification: Pathogenic for Hypertrophic cardiomyopathy. Last evaluated: 2025-09-27. Review status: criteria provided, single submitter. Criteria: Invitae Variant Classification Sherloc (09022015). Collection method: clinical testing. Allele origin: germline. Not counted in ClinVar's aggregate classification.
Comment: This sequence change replaces arginine, which is basic and polar, with glutamine, which is neutral and polar, at codon 403 of the MYH7 protein (p.Arg403Gln). This variant is not present in population databases (gnomAD no frequency). This missense change has been observed in individuals with hypertrophic cardiomyopathy (PMID: 1638703, 1975517, 12975413, 23751935). It has also been observed to segregate with disease in related individuals. ClinVar contains an entry for this variant (Variation ID: 14087). Invitae Evidence Modeling of protein sequence and biophysical properties (such as structural, functional, and spatial information, amino acid conservation, physicochemical variation, residue mobility, and thermodynamic stability) indicates that this missense variant is expected to disrupt MYH7 protein function with a positive predictive value of 95%. Experimental studies have shown that this missense change affects MYH7 function (PMID: 8614836, 9172070, 9826622, 10606622, 10882745, 11227787, 17987111, 18565996). For these reasons, this variant has been classified as Pathogenic.

Mayo Clinic Laboratories, Mayo Clinic
Classification: Pathogenic. Last evaluated: 2025-09-18. Review status: criteria provided, single submitter. Criteria: ACMG Guidelines, 2015. Collection method: clinical testing. Allele origin: germline. Observed: 1 variant allele. Not counted in ClinVar's aggregate classification.
Comment: PP1_strong, PP3, PM2_supporting, PM5, PS3_moderate, PS4

Women's Health and Genetics/Laboratory Corporation of America, LabCorp
Classification: Pathogenic for Primary familial hypertrophic cardiomyopathy. Last evaluated: 2024-09-30. Review status: criteria provided, single submitter. Criteria: LabCorp Variant Classification Summary - May 2015. Collection method: clinical testing. Allele origin: germline. Not counted in ClinVar's aggregate classification.
Comment: Variant summary: MYH7 c.1208G>A (p.Arg403Gln) results in a conservative amino acid change located in the Myosin head, motor domain (IPR001609) of the encoded protein sequence. Four of five in-silico tools predict a damaging effect of the variant on protein function. The variant was absent in 251782 control chromosomes. c.1208G>A has been reported in the literature in multiple individuals affected with Hypertrophic Cardiomyopathy (e.g. Woo_2003, Yu_1993, Geisterfer_1990) and is observed to segregate with disease. These data indicate that the variant is very likely to be associated with disease. A different variant affecting the same codon has been classified as pathogenic by our lab (c.1207C>T, p.Arg403Trp), supporting the critical relevance of codon 403 to MYH7 protein function. At least one publication reports experimental evidence evaluating an impact on protein function, showed that heterozygous mice with this variant presented a phenotype similar to Hypertrophic Cardiomyopathy (Geisterfer-Lorance_1996). The following publications have been ascertained in the context of this evaluation (PMID: 12975413, 8425289, 1975517, 8614836). ClinVar contains an entry for this variant (Variation ID: 14087). Based on the evidence outlined above, the variant was classified as pathogenic.